The following is an entry in ClinVar:

NM_001271803.2(REEP2):c.696+6G>C

Gene: REEP2 (receptor accessory protein 2; plus strand). Cytogenetic location: 5q31.2.
Variant type: single nucleotide variant.
Coding change: c.696+6G>C on transcript NM_001271803.2 (MANE Select); 6 bases into the intron after coding-DNA position 696, G replaced by C.
Molecular consequence: intron variant.
Genome position (GRCh38, 1-based): chr5:138,445,604, G>C. VCF-style: chr5-138445604-G-C. GRCh37 (hg19) VCF-style: chr5-137781293-G-C.
Other names: c.690+6G>C (NM_016606.4).
Identifiers: ClinVar variation 2051992 (VCV002051992.4), dbSNP rs2480383952, ClinGen allele CA2580072830.

ClinVar aggregate classification (germline): Uncertain significance (1 of 4 stars; one submission).

Conditions:
Hereditary spastic paraplegia 72 (SPG72A). Also called: Spastic paraplegia 72, autosomal recessive. Identifiers: Orphanet 401849, MedGen C5882669, MONDO:0014282, OMIM 615625.

Submission:

Labcorp Genetics (formerly Invitae), Labcorp
Classification: Uncertain significance for Hereditary spastic paraplegia 72. Last evaluated: 2022-10-03. Review status: criteria provided, single submitter. Criteria: Invitae Variant Classification Sherloc (09022015). Collection method: clinical testing. Allele origin: germline.
Comment: This sequence change falls in intron 7 of the REEP2 gene. It does not directly change the encoded amino acid sequence of the REEP2 protein. It affects a nucleotide within the consensus splice site. Variants that disrupt the consensus splice site are a relatively common cause of aberrant splicing (PMID: 17576681, 9536098). Algorithms developed to predict the effect of sequence changes on RNA splicing suggest that this variant is not likely to affect RNA splicing. This variant has not been reported in the literature in individuals affected with REEP2-related conditions. This variant is not present in population databases (gnomAD no frequency). In summary, the available evidence is currently insufficient to determine the role of this variant in disease. Therefore, it has been classified as a Variant of Uncertain Significance.

Literature cited by the submitters: PubMed 17576681; PubMed 9536098.